The following is an entry in ClinVar:

NM_000124.4(ERCC6):c.3689G>C (p.Arg1230Pro)

Gene: ERCC6 (ERCC excision repair 6, chromatin remodeling factor; minus strand). Cytogenetic location: 10q11.23.
Variant type: single nucleotide variant.
Coding change: c.3689G>C on transcript NM_000124.4 (MANE Select); coding-DNA position 3689, G replaced by C.
Protein change: p.Arg1230Pro; replaces arginine 1230 with proline.
Molecular consequence: missense variant.
Genome position (GRCh38, 1-based): chr10:49,470,271, C>G on the plus strand (G>C on the coding strand, the complement: ERCC6 is on the minus strand). VCF-style: chr10-49470271-C-G. GRCh37 (hg19) VCF-style: chr10-50678317-C-G.
Other names: c.3689G>C, p.Arg1230Pro (NM_001346440.2); short protein forms R1230P.
Identifiers: ClinVar variation 129018 (VCV000129018.21), dbSNP rs4253211, ClinGen allele CA152788.

ClinVar aggregate classification (germline): Benign/Likely benign. Review status: criteria provided, multiple submitters, no conflicts (2 of 4 stars). 7 submissions from 7 submitters: Benign (5); Likely benign (1). 1 of the submissions does not count toward it. Last evaluated 2026-02-04.

Allele frequency attached by ClinVar (database versions not stated): 1000 Genomes Project 30x 0.04513; 1000 Genomes Project 0.04752; TOPMed 0.06772; ESP Exome Variant Server 0.07066.
gnomAD v4.1: 145,986 of 1,613,988 alleles (9%); highest among the groups gnomAD compares: Non-Finnish European, 10%; 7,410 homozygotes.

Submissions (7):

Labcorp Genetics (formerly Invitae), Labcorp
Classification: Benign. Last evaluated: 2026-02-04. Review status: criteria provided, single submitter. Criteria: Invitae Variant Classification Sherloc (09022015). Collection method: clinical testing. Allele origin: germline.

Blueprint Genetics
Classification: Likely benign. Last evaluated: 2024-11-27. Review status: criteria provided, single submitter. Criteria: ACMG Guidelines, 2015. Collection method: clinical testing. Allele origin: germline.

GeneDx
Classification: Benign. Last evaluated: 2019-01-15. Review status: criteria provided, single submitter. Criteria: GeneDx Variant Classification Process June 2021. Collection method: clinical testing. Allele origin: germline. Affected: yes.

Claritas Genomics
Classification: Benign. Last evaluated: 2012-07-13. Review status: criteria provided, single submitter. Criteria: ACMG Guidelines, 2007. Collection method: clinical testing. Allele origin: germline. Inheritance: Autosomal recessive inheritance.

Breakthrough Genomics
Classification: Benign. Review status: criteria provided, single submitter. Criteria: ACMG Guidelines, 2015. Collection method: not provided. Allele origin: germline. Inheritance: Autosomal recessive inheritance. Affected: yes.

PreventionGenetics, part of Exact Sciences
Classification: Benign. Review status: criteria provided, single submitter. Criteria: ACMG Guidelines, 2015. Collection method: clinical testing. Allele origin: germline.

Genetic Services Laboratory, University of Chicago
Classification: Likely benign for AllHighlyPenetrant. Review status: no assertion criteria provided. Collection method: clinical testing. Allele origin: germline. Not counted in ClinVar's aggregate classification.
Comment: Likely benign based on allele frequency in 1000 Genomes Project or ESP global frequency and its presence in a patient with a rare or unrelated disease phenotype. NOT Sanger confirmed.